The following is an entry in ClinVar:

ClinVar aggregate classification (germline): Pathogenic/Likely pathogenic. Review status: criteria provided, multiple submitters, no conflicts (2 of 4 stars). 8 submissions from 8 submitters: Pathogenic (3); Likely pathogenic (5). Last evaluated 2024-12-31.

Conditions:
6-Pyruvoyl-tetrahydrobiopterin synthase deficiency. Also called: HYPERPHENYLALANINEMIA, TETRAHYDROBIOPTERIN-DEFICIENT, DUE TO PTS DEFICIENCY; Hyperphenylalanemia, BH4-deficient, A; Hyperphenylalaninemia due to 6-pyruvoyl-tetrahydropterin synthase deficiency; 6-Pyruvoyltetrahydropterin Synthase Deficiency; BH4-deficient hyperphenylalaninemia A; PTS-Related Tetrahydrobiopterin Deficiency. Identifiers: Orphanet 13, Orphanet 238583, MedGen C0878676, MONDO:0009863, OMIM 261640.

Allele frequency attached by ClinVar (database versions not stated): TOPMed 0.00001.

Submissions (8):

Natera, Inc.
Classification: Likely pathogenic for 6-Pyruvoyl-tetrahydrobiopterin synthase deficiency. Last evaluated: 2024-12-31. Review status: criteria provided, single submitter. Criteria: Natera Variant Classification Schema (03/2026). Collection method: clinical testing. Allele origin: germline.
Comment: The c.238A>G variant in PTS is a missense variant predicted to cause substitution of methionine to valine at amino acid 80. This variant is rare in the general population with a frequency below the threshold expected for the associated phenotype(s). This variant has been observed in one or more individuals affected with the associated recessive disease, as either homozygous or compound heterozygous with a second variant (PMID: 30926181). Additionally, this variant has been observed to segregate in affected family members (PMID: 30926181). This variant has been identified in one or more affected individuals with a phenotype highly consistent with the associated gene (PMID: 30926181). Given the available evidence, this variant is classified as Likely Pathogenic.

Genomic Medicine Center of Excellence, King Faisal Specialist Hospital and Research Centre
Classification: Likely pathogenic for 6-Pyruvoyl-tetrahydrobiopterin synthase deficiency. Last evaluated: 2024-12-19. Review status: criteria provided, single submitter. Criteria: ACMG Guidelines, 2015. Collection method: clinical testing. Allele origin: germline.

Women's Health and Genetics/Laboratory Corporation of America, LabCorp
Classification: Pathogenic for 6-Pyruvoyl-tetrahydrobiopterin synthase deficiency. Last evaluated: 2024-09-12. Review status: criteria provided, single submitter. Criteria: LabCorp Variant Classification Summary - May 2015. Collection method: clinical testing. Allele origin: germline.
Comment: Variant summary: PTS c.238A>G (p.Met80Val) results in a conservative amino acid change in the encoded protein sequence. Three of five in-silico tools predict a benign effect of the variant on protein function. The variant was absent in 251406 control chromosomes. c.238A>G has been reported in the literature in multiple homozygous individuals of Saudi Arabian ancestry affected with 6-Pyruvoyl-Tetrahydropterin Synthase Deficiency (Alfadhel_2016, Almannai_2019). These data indicate that the variant is very likely to be associated with disease. To our knowledge, no experimental evidence demonstrating an impact on protein function has been reported. The following publications have been ascertained in the context of this evaluation (PMID: 27629047, 30926181, 30853107). ClinVar contains an entry for this variant (Variation ID: 372484). Based on the evidence outlined above, the variant was classified as pathogenic.

Labcorp Genetics (formerly Invitae), Labcorp
Classification: Pathogenic for 6-Pyruvoyl-tetrahydrobiopterin synthase deficiency. Last evaluated: 2022-12-23. Review status: criteria provided, single submitter. Criteria: Invitae Variant Classification Sherloc (09022015). Collection method: clinical testing. Allele origin: germline.
Comment: This sequence change replaces methionine, which is neutral and non-polar, with valine, which is neutral and non-polar, at codon 80 of the PTS protein (p.Met80Val). For these reasons, this variant has been classified as Pathogenic. Algorithms developed to predict the effect of missense changes on protein structure and function (SIFT, PolyPhen-2, Align-GVGD) all suggest that this variant is likely to be tolerated. ClinVar contains an entry for this variant (Variation ID: 372484). This missense change has been observed in individual(s) with 6-pyruvoyl-tetrahydropterin synthase deficiency (PMID: 27629047, 30926181). This variant is not present in population databases (gnomAD no frequency).

Genome-Nilou Lab
Classification: Likely pathogenic for 6-Pyruvoyl-tetrahydrobiopterin synthase deficiency. Last evaluated: 2021-09-05. Review status: criteria provided, single submitter. Criteria: ACMG Guidelines, 2015. Collection method: clinical testing. Allele origin: germline. Affected: no.

Baylor Genetics
Classification: Pathogenic for 6-Pyruvoyl-tetrahydrobiopterin synthase deficiency. Last evaluated: 2020-06-03. Review status: criteria provided, single submitter. Criteria: ACMG Guidelines, 2015. Collection method: clinical testing. Allele origin: unknown. Affected: yes.
Comment: This variant was determined to be pathogenic according to ACMG Guidelines, 2015 [PMID:25741868].

GeneDx
Classification: Likely pathogenic. Last evaluated: 2016-02-15. Review status: criteria provided, single submitter. Criteria: GeneDx Variant Classification (06012015). Collection method: clinical testing. Allele origin: germline. Affected: yes.
Comment: The M80V missense substitution has not been published as pathogenic, nor has it been reported asa benign polymorphism to our knowledge. However a missense variant at the same position,M80T, has been published in association with 6-pyruvoyltetrahydropterin synthase (PTS)deficiency according to the Human Gene Mutation Database (Ye et al., 2013). The M80V variantis a conservative amino acid substitution, which is not likely to impact secondary protein structureas these residues share similar properties. This substitution occurs at a position where amino acidswith similar properties to Methionine are tolerated across species. An apparently homozygousM80V missense change has been identified in other patients suspected to have PTS deficiencywho were tested at GeneDx. Therefore, based on this information, M80V is a strong candidate fora pathogenic variant, however, the possibility that it is a rare benign variant cannot beexcluded.

Pathology and Clinical Laboratory Medicine, King Fahad Medical City
Classification: Likely pathogenic for 6-Pyruvoyl-tetrahydrobiopterin synthase deficiency. Review status: criteria provided, single submitter. Criteria: ACMG Guidelines, 2015. Collection method: clinical testing. Allele origin: germline. Affected: yes. Observed: 2 variant alleles.

Literature cited by the submitters: PubMed 30926181 (cited by 3 submitters); PubMed 27629047 (cited by Women's Health and Genetics/Laboratory Corporation of America, LabCorp and Labcorp Genetics (formerly Invitae), Labcorp); PubMed 30853107 (cited by Women's Health and Genetics/Laboratory Corporation of America, LabCorp).

NM_000317.3(PTS):c.238A>G (p.Met80Val)

Gene: PTS (6-pyruvoyltetrahydropterin synthase; plus strand). Cytogenetic location: 11q23.1.
Variant type: single nucleotide variant.
Coding change: c.238A>G on transcript NM_000317.3 (MANE Select); coding-DNA position 238, A replaced by G.
Protein change: p.Met80Val; replaces methionine 80 with valine.
Molecular consequence: missense variant.
Genome position (GRCh38, 1-based): chr11:112,230,677, A>G. VCF-style: chr11-112230677-A-G. GRCh37 (hg19) VCF-style: chr11-112101400-A-G.
Other names: short protein forms M80V.
Identifiers: ClinVar variation 372484 (VCV000372484.12), dbSNP rs1057517810, ClinGen allele CA16042813.
Genomic context (GRCh38, chr11:112,230,677, plus strand): 5'-ATTCTTTAGATTGACCCTGCTACGGGAATGGTTATGAATCTGGCTGATCTCAAAAAATAT[A>G]TGGAGGTAATGGCATGTTGGGTGCTTATTATGTGCTATTCCCTAACTGTAATATTTGGTG-3'
Protein context (NP_000308.1, residues 70-90): VMNLADLKKY[Met80Val]EEAIMQPLDH